The following is an entry in ClinVar:

ClinVar aggregate classification (germline): Likely pathogenic (1 of 4 stars; one submission).

Conditions:
Familial adenomatous polyposis 1 (FAP1). Also called: POLYPOSIS, ADENOMATOUS INTESTINAL; FAMILIAL ADENOMATOUS POLYPOSIS 1, ATTENUATED. Identifiers: MedGen C2713442, MONDO:0021056, OMIM 175100. Disease mechanism: loss of function.

Submission:

Labcorp Genetics (formerly Invitae), Labcorp
Classification: Likely pathogenic for Familial adenomatous polyposis 1. Last evaluated: 2021-03-23. Review status: criteria provided, single submitter. Criteria: Invitae Variant Classification Sherloc (09022015). Collection method: clinical testing. Allele origin: germline.
Comment: In summary, the currently available evidence indicates that the variant is pathogenic, but additional data are needed to prove that conclusively. Therefore, this variant has been classified as Likely Pathogenic. This variant has not been reported in the literature in individuals with APC-related conditions. This variant results in the deletion of part of exon 15 (c.1744-680_1881del) of the APC gene. It is expected to disrupt RNA splicing. Variants that disrupt the donor or acceptor splice site typically lead to a loss of protein function (PMID: 16199547), and loss-of-function variants in APC are known to be pathogenic (PMID: 17963004, 20685668).

Literature cited by the submitters: PubMed 16199547; PubMed 17963004; PubMed 20685668.

NC_000005.9:g.(?_112169968)_(112170785_?)del

Gene: APC (APC regulator of Wnt signaling pathway; plus strand). Cytogenetic location: 5q22.2.
Variant type: Deletion.
Identifiers: ClinVar variation 1488396 (VCV001488396.4).